The following is an entry in ClinVar:

ClinVar aggregate classification (germline): Pathogenic (1 of 4 stars; one submission).

Conditions:
Myopathy caused by variation in POMGNT1. Identifiers: MedGen CN305639, MONDO:0700068.

Submission:

Myriad Genetics, Inc.
Classification: Pathogenic for Myopathy caused by variation in POMGNT1. Last evaluated: 2023-09-27. Review status: criteria provided, single submitter. Criteria: Myriad Autosomal Dominant, Autosomal Recessive and X-Linked Classification Criteria (2023). Collection method: clinical testing. Allele origin: unknown.
Comment: NM_017739.3(POMGNT1):c.605dupC(A203Cfs*25) is expected to be pathogenic in the context of POMGNT1-related disorders. This variant is predicted to lead to an abnormal or absent protein product due to the creation of a premature termination codon in POMGNT1, a gene where loss-of-function variants are known to be pathogenic. Please note: this variant was assessed in the context of healthy population screening.

NM_017739.4(POMGNT1):c.605dup (p.Ala203fs)

Genes: POMGNT1 (protein O-linked mannose N-acetylglucosaminyltransferase 1 (beta 1,2-); minus strand), TSPAN1 (tetraspanin 1; plus strand). Cytogenetic location: 1p34.1.
Variant type: Duplication.
Coding change: c.605dup on transcript NM_017739.4 (MANE Select); coding-DNA position 605, one base duplicated (C; older notation c.605dupC).
Protein change: p.Ala203fs; shifts the reading frame from alanine 203.
Molecular consequence: frameshift variant.
Genome position (GRCh38, 1-based): chr1:46,194,891, G duplicated on the plus strand (C on the coding strand, the reverse complement: POMGNT1 is on the minus strand); the first of 3 consecutive G bases (chr1:46,194,891-46,194,893); duplicating any one gives the same sequence. VCF-style (leftmost placement, unchanged base first): chr1-46194890-A-AG. GRCh37 (hg19) VCF-style: chr1-46660562-A-AG.
Other names: c.605dup, p.Ala203fs (NM_001243766.2, NM_001410783.1, NM_001437653.1 and 3 more transcripts); c.539dup, p.Ala181fs (NM_001290129.3, NM_001438691.1, NM_001438692.1); c.176dup, p.Ala60fs (NM_001290130.2); short protein forms A181fs, A203fs, A60fs.
Identifiers: ClinVar variation 5011842 (VCV005011842.1).